The following is an entry in ClinVar:

NM_198586.3(NHLRC1):c.438C>A (p.Asp146Glu)

Gene: NHLRC1 (NHL repeat containing E3 ubiquitin protein ligase 1; minus strand). Cytogenetic location: 6p22.3.
Variant type: single nucleotide variant.
Coding change: c.438C>A on transcript NM_198586.3 (MANE Select); coding-DNA position 438, C replaced by A.
Protein change: p.Asp146Glu; replaces aspartic acid 146 with glutamic acid.
Molecular consequence: missense variant.
Genome position (GRCh38, 1-based): chr6:18,122,169, G>T on the plus strand (C>A on the coding strand, the complement: NHLRC1 is on the minus strand). VCF-style: chr6-18122169-G-T. GRCh37 (hg19) VCF-style: chr6-18122400-G-T.
Other names: short protein forms D146E.
Identifiers: ClinVar variation 1524781 (VCV001524781.6), dbSNP rs200559475, ClinGen allele CA362828037.

ClinVar aggregate classification (germline): Likely pathogenic (1 of 4 stars; one submission).

Conditions:
Lafora disease. Also called: Epilepsy progressive myoclonic 2; Progressive Myoclonus Epilepsy, Lafora Type. Identifiers: Orphanet 501, MedGen C0751783, MONDO:0009697.

Submission:

Labcorp Genetics (formerly Invitae), Labcorp
Classification: Likely pathogenic for Lafora disease. Last evaluated: 2021-08-19. Review status: criteria provided, single submitter. Criteria: Invitae Variant Classification Sherloc (09022015). Collection method: clinical testing. Allele origin: germline.
Comment: In summary, the currently available evidence indicates that the variant is pathogenic, but additional data are needed to prove that conclusively. Therefore, this variant has been classified as Likely Pathogenic. This variant disrupts the p.Asp146 amino acid residue in NHLRC1. Other variant(s) that disrupt this residue have been determined to be pathogenic (PMID: 12958597, 16529633, 21505799, 22047982, 25667860). This suggests that this residue is clinically significant, and that variants that disrupt this residue are likely to be disease-causing. Advanced modeling of protein sequence and biophysical properties (such as structural, functional, and spatial information, amino acid conservation, physicochemical variation, residue mobility, and thermodynamic stability) performed at Invitae indicates that this missense variant is expected to disrupt NHLRC1 protein function. This variant has not been reported in the literature in individuals affected with NHLRC1-related conditions. This variant is not present in population databases (ExAC no frequency). This sequence change replaces aspartic acid with glutamic acid at codon 146 of the NHLRC1 protein (p.Asp146Glu). The aspartic acid residue is highly conserved and there is a small physicochemical difference between aspartic acid and glutamic acid.

Literature cited by the submitters: PubMed 12958597; PubMed 16529633; PubMed 21505799; PubMed 22047982; PubMed 25667860.